The following is an entry in ClinVar:

ClinVar aggregate classification (germline): Pathogenic (1 of 4 stars; one submission).

Submission:

Labcorp Genetics (formerly Invitae), Labcorp
Classification: Pathogenic. Last evaluated: 2023-08-02. Review status: criteria provided, single submitter. Criteria: Invitae Variant Classification Sherloc (09022015). Collection method: clinical testing. Allele origin: unknown.
Comment: For these reasons, this variant has been classified as Pathogenic. This variant disrupts a region of the OTOF protein in which other variant(s) (p.Ile1573Thr) have been determined to be pathogenic (PMID: 21117948, 24746455, 34536124). This suggests that this is a clinically significant region of the protein, and that variants that disrupt it are likely to be disease-causing. This variant has not been reported in the literature in individuals affected with OTOF-related conditions. This variant is a gross deletion of the genomic region encompassing exon(s) 33-40 of the OTOF gene. This variant would be expected to be in-frame, preserving the integrity of the reading frame.

Literature cited by the submitters: PubMed 21117948; PubMed 24746455; PubMed 34536124.

NC_000002.11:g.(?_26686812)_(26691362_?)del

Gene: OTOF (otoferlin; minus strand). Cytogenetic location: 2p23.3.
Variant type: Deletion.
Identifiers: ClinVar variation 3247610 (VCV003247610.1).